The following is an entry in ClinVar:

NM_017757.3(ZNF407):c.914C>G (p.Pro305Arg)

Gene: ZNF407 (zinc finger protein 407; plus strand). Cytogenetic location: 18q22.3.
Variant type: single nucleotide variant.
Coding change: c.914C>G on transcript NM_017757.3 (MANE Select); coding-DNA position 914, C replaced by G.
Protein change: p.Pro305Arg; replaces proline 305 with arginine.
Molecular consequence: missense variant.
Genome position (GRCh38, 1-based): chr18:74,631,933, C>G. VCF-style: chr18-74631933-C-G. GRCh37 (hg19) VCF-style: chr18-72343889-C-G.
Other names: c.914C>G, p.Pro305Arg (NM_001146189.1, NM_001146190.1, NM_001384475.1); c.914C>G (NM_017757.2); short protein forms P305R.
Identifiers: ClinVar variation 3375019 (VCV003375019.2).
Genomic context (GRCh38, chr18:74,631,933, plus strand): 5'-CAAAACAACCTTTTCCTAAAAAATCACGTACAATGGCAACAAAAAATGTTCACTCAAAAC[C>G]AAGAACTTCTAAATCAATAGCAAAGAATAGTGATTCAAAAGGATTACGAAATGTGGGAAG-3'
Protein context (NP_060227.2, residues 295-315): TMATKNVHSK[Pro305Arg]RTSKSIAKNS

ClinVar aggregate classification (germline): Uncertain significance. Review status: criteria provided, multiple submitters, no conflicts (2 of 4 stars). 2 submissions from 2 submitters: Uncertain significance (2). Last evaluated 2025-05-19.

gnomAD v4.1: 55 of 1,613,804 alleles (0.0034%); highest among the groups gnomAD compares: African/African-American, 0.063%; no homozygotes.

Submissions (2):

Ambry Genetics
Classification: Uncertain significance. Last evaluated: 2025-05-19. Review status: criteria provided, single submitter. Criteria: Ambry Variant Classification Scheme 2023. Collection method: clinical testing. Allele origin: germline.

Women's Health and Genetics/Laboratory Corporation of America, LabCorp
Classification: Uncertain significance. Last evaluated: 2024-09-05. Review status: criteria provided, single submitter. Criteria: LabCorp Variant Classification Summary - May 2015. Collection method: clinical testing. Allele origin: germline.
Comment: Variant summary: ZNF407 c.914C>G (p.Pro305Arg) results in a non-conservative amino acid change in the encoded protein sequence. Three of five in-silico tools predict a benign effect of the variant on protein function. The variant allele was found at a frequency of 4e-05 in 249068 control chromosomes. This frequency is not significantly higher than estimated for a pathogenic variant in ZNF407 causing ZNF407-Related Disorders, allowing no conclusion about variant significance. To our knowledge, no occurrence of c.914C>G in individuals affected with ZNF407-Related Disorders and no experimental evidence demonstrating its impact on protein function have been reported. No submitters have cited clinical-significance assessments for this variant to ClinVar. Based on the evidence outlined above, the variant was classified as uncertain significance.